The following is an entry in ClinVar:

NM_000540.3(RYR1):c.13659+3A>G

Gene: RYR1 (ryanodine receptor 1; plus strand). Cytogenetic location: 19q13.2.
Variant type: single nucleotide variant.
Coding change: c.13659+3A>G on transcript NM_000540.3 (MANE Select); 3 bases into the intron after coding-DNA position 13659, A replaced by G.
Molecular consequence: intron variant.
Genome position (GRCh38, 1-based): chr19:38,567,920, A>G. VCF-style: chr19-38567920-A-G. GRCh37 (hg19) VCF-style: chr19-39058560-A-G.
Other names: c.13644+3A>G (NM_001042723.2).
Identifiers: ClinVar variation 3071627 (VCV003071627.1), dbSNP rs2514694960, ClinGen allele CA2584909778.

ClinVar aggregate classification (germline): Uncertain significance (1 of 4 stars; one submission).

Conditions:
Malignant hyperthermia, susceptibility to, 1 (MHS1). Also called: Anesthesia related hyperthermia; Malignant hyperpyrexia; Fulminating hyperpyrexia; Pharmacogenic myopathy; RYR1-Related Malignant Hyperthermia Susceptibility; Malignant hyperthermia suceptibility 1. Identifiers: Orphanet 423, MedGen C2930980, MONDO:0007783, OMIM 145600.

Allele frequency attached by ClinVar (database versions not stated): gnomAD exomes below 0.00001.
gnomAD v4.1: 1 of 1,613,000 alleles (0.000062%); highest among the groups gnomAD compares: Non-Finnish European, 0.000085%; no homozygotes.

Submission:

All of Us Research Program, National Institutes of Health
Classification: Uncertain significance for Malignant hyperthermia, susceptibility to, 1. Last evaluated: 2023-06-08. Review status: criteria provided, single submitter. Criteria: ACMG Guidelines, 2015. Collection method: clinical testing. Allele origin: germline. Inheritance: Autosomal dominant inheritance. Observed: 1 variant allele, 1 heterozygote.
Comment: This variant causes an A to G nucleotide substitution at the +3 position of intron 93 of the RYR1 gene. To our knowledge, functional studies have not been reported for this variant. This variant has not been reported in individuals affected with RYR1-related disorders in the literature. This variant has not been identified in the general population by the Genome Aggregation Database (gnomAD). The available evidence is insufficient to determine the role of this variant in disease conclusively. Therefore, this variant is classified as a Variant of Uncertain Significance.

This study involves interpretation of variants in research participants for the purpose of population health screening. Participant phenotype was not available at the time of variant classification. Additional details can be found in publication PMID: 35346344, PMCID: PMC8962531